The following is an entry in ClinVar:

NM_003265.3(TLR3):c.298A>T (p.Met100Leu)

Gene: TLR3 (toll like receptor 3; plus strand). Cytogenetic location: 4q35.1.
Variant type: single nucleotide variant.
Coding change: c.298A>T on transcript NM_003265.3 (MANE Select); coding-DNA position 298, A replaced by T.
Protein change: p.Met100Leu; replaces methionine 100 with leucine.
Molecular consequence: missense variant.
Genome position (GRCh38, 1-based): chr4:186,076,917, A>T. VCF-style: chr4-186076917-A-T. GRCh37 (hg19) VCF-style: chr4-186998071-A-T.
Other names: short protein forms M100L.
Identifiers: ClinVar variation 1370549 (VCV001370549.6), dbSNP rs150769655, ClinGen allele CA3161189.

ClinVar aggregate classification (germline): Uncertain significance (1 of 4 stars; one submission).

Conditions:
Encephalopathy, acute, infection-induced (herpes-specific), susceptibility to, 1. Also called: Herpes simplex encephalitis, susceptibility to, 1. Identifiers: Orphanet 1930, MedGen C2750180, MONDO:0024563, OMIM 610551.

Allele frequency attached by ClinVar (database versions not stated): ESP Exome Variant Server 0.00015; ExAC 0.00001.

Submission:

Labcorp Genetics (formerly Invitae), Labcorp
Classification: Uncertain significance for Encephalopathy, acute, infection-induced (herpes-specific), susceptibility to, 1. Last evaluated: 2023-04-04. Review status: criteria provided, single submitter. Criteria: Invitae Variant Classification Sherloc (09022015). Collection method: clinical testing. Allele origin: germline.
Comment: This sequence change replaces methionine, which is neutral and non-polar, with leucine, which is neutral and non-polar, at codon 100 of the TLR3 protein (p.Met100Leu). This variant is present in population databases (rs150769655, gnomAD 0.007%). This variant has not been reported in the literature in individuals affected with TLR3-related conditions. ClinVar contains an entry for this variant (Variation ID: 1370549). Algorithms developed to predict the effect of missense changes on protein structure and function output the following: SIFT: "Not Available"; PolyPhen-2: "Benign"; Align-GVGD: "Not Available". The leucine amino acid residue is found in multiple mammalian species, which suggests that this missense change does not adversely affect protein function. In summary, the available evidence is currently insufficient to determine the role of this variant in disease. Therefore, it has been classified as a Variant of Uncertain Significance.